The following is an entry in ClinVar:

NM_003331.5(TYK2):c.424C>T (p.Gln142Ter)

Gene: TYK2 (tyrosine kinase 2; minus strand). Cytogenetic location: 19p13.2.
Variant type: single nucleotide variant.
Coding change: c.424C>T on transcript NM_003331.5 (MANE Select); coding-DNA position 424, C replaced by T.
Protein change: p.Gln142Ter; replaces glutamine 142 with a stop codon.
Molecular consequence: nonsense.
Genome position (GRCh38, 1-based): chr19:10,368,096, G>A on the plus strand (C>T on the coding strand, the complement: TYK2 is on the minus strand). VCF-style: chr19-10368096-G-A. GRCh37 (hg19) VCF-style: chr19-10478772-G-A.
Other names: c.424C>T, p.Gln142Ter (NM_001385197.1, NM_001385198.1, NM_001385199.1 and 9 more transcripts); short protein forms Q142*.
Identifiers: ClinVar variation 2764448 (VCV002764448.3), dbSNP rs2512582393, ClinGen allele CA404018892.
Genomic context (GRCh38, chr19:10,368,096, plus strand): 5'-ACCCCAGCCCTGCTCATACCTGCTCAAAGAGGTACTCAAATGAGGCTGGGTCCAGGAGTT[G>A]CATCCCCTGTGCTGTCTGATCTGAGGATGCCTCGGTTCCTGGGGGCCCACAACGGTACAC-3'

ClinVar aggregate classification (germline): Pathogenic (1 of 4 stars; one submission).

Conditions:
Immunodeficiency 35 (IMD35). Also called: HIES WITH ATYPICAL MYCOBACTERIOSIS, AUTOSOMAL RECESSIVE; Susceptibility to infection due to TYK2 deficiency; HYPER-IgE SYNDROME WITH ATYPICAL MYCOBACTERIOSIS, AUTOSOMAL RECESSIVE; TYK2 DEFICIENCY. Identifiers: Orphanet 331226, MedGen C1969086, MONDO:0012682, OMIM 611521.

Submission:

Labcorp Genetics (formerly Invitae), Labcorp
Classification: Pathogenic for Immunodeficiency 35. Last evaluated: 2023-09-29. Review status: criteria provided, single submitter. Criteria: Invitae Variant Classification Sherloc (09022015). Collection method: clinical testing. Allele origin: germline.
Comment: This sequence change creates a premature translational stop signal (p.Gln142*) in the TYK2 gene. It is expected to result in an absent or disrupted protein product. Loss-of-function variants in TYK2 are known to be pathogenic (PMID: 22402565, 26304966). This variant is not present in population databases (gnomAD no frequency). This variant has not been reported in the literature in individuals affected with TYK2-related conditions. For these reasons, this variant has been classified as Pathogenic.

Literature cited by the submitters: PubMed 22402565; PubMed 26304966.